The following is an entry in ClinVar:

NM_000465.4(BARD1):c.1999C>G (p.Leu667Val)

Gene: BARD1 (BRCA1 associated RING domain 1; minus strand). Cytogenetic location: 2q35.
Variant type: single nucleotide variant.
Coding change: c.1999C>G on transcript NM_000465.4 (MANE Select); coding-DNA position 1999, C replaced by G.
Protein change: p.Leu667Val; replaces leucine 667 with valine.
Molecular consequence: missense variant. On other transcripts: non-coding transcript variant (3).
Genome position (GRCh38, 1-based): chr2:214,730,413, G>C on the plus strand (C>G on the coding strand, the complement: BARD1 is on the minus strand). VCF-style: chr2-214730413-G-C. GRCh37 (hg19) VCF-style: chr2-215595137-G-C.
Other names: c.1942C>G, p.Leu648Val (NM_001282543.2); c.646C>G, p.Leu216Val (NM_001282545.2); c.589C>G, p.Leu197Val (NM_001282548.2); c.460C>G, p.Leu154Val (NM_001282549.2); short protein forms L154V, L197V, L648V, L216V, L667V.
Identifiers: ClinVar variation 1784108 (VCV001784108.2), dbSNP rs2105990379, ClinGen allele CA350451086.
Genomic context (GRCh38, chr2:214,730,413, plus strand): 5'-GTGATAATAATAGTATGTCATAATAAGAACAATGAAAGTTGTATTAAAAGAAAAATACCA[G>C]CTGTTCTCTGTTGAGCCTGCTTCTGCGTGGACCTTCAGGAATTTCATACTTTTCTTCCTG-3'
Protein context (NP_000456.2, residues 657-677): PRRSRLNREQ[Leu667Val]LPKLFDGCYF

ClinVar aggregate classification (germline): Uncertain significance (1 of 4 stars; one submission).

Conditions:
Hereditary cancer-predisposing syndrome. Also called: Neoplastic Syndromes, Hereditary; Tumor predisposition; Hereditary Cancer Syndrome; Hereditary neoplastic syndrome. Identifiers: Orphanet 140162, MedGen C0027672, MeSH D009386, MONDO:0015356.

Submission:

Ambry Genetics
Classification: Uncertain significance for Hereditary cancer-predisposing syndrome. Last evaluated: 2020-10-05. Review status: criteria provided, single submitter. Criteria: Ambry Variant Classification Scheme 2023. Collection method: clinical testing. Allele origin: germline.
Comment: The p.L667V variant (also known as c.1999C>G), located in coding exon 10 of the BARD1 gene, results from a C to G substitution at nucleotide position 1999. The leucine at codon 667 is replaced by valine, an amino acid with highly similar properties. This amino acid position is highly conserved in available vertebrate species. In addition, the in silico prediction for this alteration is inconclusive. Since supporting evidence is limited at this time, the clinical significance of this alteration remains unclear.